The following is an entry in ClinVar:

ClinVar aggregate classification (germline): Uncertain significance. Review status: criteria provided, multiple submitters, no conflicts (2 of 4 stars). 4 submissions from 4 submitters: Uncertain significance (4). Last evaluated 2023-12-11.

Conditions:
Developmental and epileptic encephalopathy, 18 (DEE18). Also called: Early infantile epileptic encephalopathy 18. Identifiers: Orphanet 369894, MedGen C3809624, MONDO:0014201, OMIM 615476.
Inborn genetic diseases. Identifiers: MedGen C0950123, MeSH D030342.

Allele frequency attached by ClinVar (database versions not stated): gnomAD 0.00001; gnomAD exomes 0.00001 and 0.00004; TOPMed 0.00005; ExAC 0.00006.
gnomAD v4.1: 10 of 1,598,218 alleles (0.00063%); highest among the groups gnomAD compares: Admixed American, 0.013%; no homozygotes.

Submissions (4):

Labcorp Genetics (formerly Invitae), Labcorp
Classification: Uncertain significance. Last evaluated: 2023-12-11. Review status: criteria provided, single submitter. Criteria: Invitae Variant Classification Sherloc (09022015). Collection method: clinical testing. Allele origin: germline.
Comment: This sequence change replaces tyrosine, which is neutral and polar, with histidine, which is basic and polar, at codon 300 of the SZT2 protein (p.Tyr300His). This variant is present in population databases (rs754738706, gnomAD 0.01%). This variant has not been reported in the literature in individuals affected with SZT2-related conditions. ClinVar contains an entry for this variant (Variation ID: 958627). Advanced modeling of protein sequence and biophysical properties (such as structural, functional, and spatial information, amino acid conservation, physicochemical variation, residue mobility, and thermodynamic stability) performed at Invitae indicates that this missense variant is not expected to disrupt SZT2 protein function with a negative predictive value of 80%. In summary, the available evidence is currently insufficient to determine the role of this variant in disease. Therefore, it has been classified as a Variant of Uncertain Significance.

Genome-Nilou Lab
Classification: Uncertain significance for Developmental and epileptic encephalopathy, 18. Last evaluated: 2023-04-11. Review status: criteria provided, single submitter. Criteria: ACMG Guidelines, 2015. Collection method: clinical testing. Allele origin: germline. Affected: no.

GeneDx
Classification: Uncertain significance. Last evaluated: 2021-06-17. Review status: criteria provided, single submitter. Criteria: GeneDx Variant Classification Process June 2021. Collection method: clinical testing. Allele origin: germline. Affected: yes.
Comment: In silico analysis supports that this missense variant does not alter protein structure/function; Has not been previously published as pathogenic or benign to our knowledge; This variant is associated with the following publications: (PMID: 27535533)

Ambry Genetics
Classification: Uncertain significance for Inborn genetic diseases. Last evaluated: 2017-12-20. Review status: criteria provided, single submitter. Criteria: Ambry exome assertion method (8-5-2015). Collection method: clinical testing. Allele origin: germline. Affected: yes. Observed: 1 variant allele.

NM_001365999.1(SZT2):c.898T>C (p.Tyr300His)

Gene: SZT2 (SZT2 subunit of KICSTOR complex; plus strand). Cytogenetic location: 1p34.2.
Variant type: single nucleotide variant.
Coding change: c.898T>C on transcript NM_001365999.1 (MANE Select); coding-DNA position 898, T replaced by C.
Protein change: p.Tyr300His; replaces tyrosine 300 with histidine.
Molecular consequence: missense variant.
Genome position (GRCh38, 1-based): chr1:43,419,752, T>C. VCF-style: chr1-43419752-T-C. GRCh37 (hg19) VCF-style: chr1-43885423-T-C.
Other names: c.898T>C, p.Tyr300His (NM_015284.4); short protein forms Y300H.
Identifiers: ClinVar variation 958627 (VCV000958627.11), dbSNP rs754738706, ClinGen allele CA808297.